The following is an entry in ClinVar:

NM_001655.5(ARCN1):c.923del (p.Asp308fs)

Gene: ARCN1 (archain 1 coat protein complex I subunit delta; plus strand). Cytogenetic location: 11q23.3.
Variant type: Deletion.
Coding change: c.923del on transcript NM_001655.5 (MANE Select); coding-DNA position 923, one base deleted (A; older notation c.923delA).
Protein change: p.Asp308fs; shifts the reading frame from aspartic acid 308.
Molecular consequence: frameshift variant. On other transcripts: non-coding transcript variant (2).
Genome position (GRCh38, 1-based): chr11:118,590,445, A deleted. VCF-style (leftmost placement, unchanged base first): chr11-118590444-GA-G. GRCh37 (hg19) VCF-style: chr11-118461159-GA-G.
Other names: c.659del, p.Asp220fs (NM_001142281.2, NM_001425081.1); c.923del, p.Asp308fs (NM_001425073.1, NM_001425078.1); c.920del, p.Asp307fs (NM_001425074.1, NM_001425079.1); c.866del, p.Asp289fs (NM_001425075.1); c.854del, p.Asp285fs (NM_001425076.1); c.758del, p.Asp253fs (NM_001425077.1); c.479del, p.Asp160fs (NM_001425080.1); short protein forms D220fs, D160fs, D285fs, D253fs, D289fs, D307fs, D308fs.
Identifiers: ClinVar variation 4991243 (VCV004991243.1).

ClinVar aggregate classification (germline): Likely pathogenic (1 of 4 stars; one submission).

Conditions:
ARCN1-related disorder. Also called: ARCN1-related condition.

Submission:

PreventionGenetics, part of Exact Sciences
Classification: Likely pathogenic for ARCN1-related condition. Last evaluated: 2025-09-21. Review status: criteria provided, single submitter. Criteria: ACMG Guidelines, 2015. Collection method: clinical testing. Allele origin: germline.
Comment: The ARCN1 c.923delA variant is predicted to result in a frameshift and premature protein termination (p.Asp308Alafs*36). To our knowledge, this variant has not been reported in the literature or in a large population database (gnomAD), indicating this variant is rare. Frameshift variants in ARCN1 are expected to be pathogenic. This variant is interpreted as likely pathogenic.